The following is an entry in ClinVar:

NM_001009994.3(RIPPLY2):c.24G>C (p.Glu8Asp)

Genes: RIPPLY2 (ripply transcriptional repressor 2; plus strand), RIPPLY2-CYB5R4 (RIPPLY2-CYB5R4 readthrough; plus strand). Cytogenetic location: 6q14.2.
Variant type: single nucleotide variant.
Coding change: c.24G>C on transcript NM_001009994.3 (MANE Select); coding-DNA position 24, G replaced by C.
Protein change: p.Glu8Asp; replaces glutamic acid 8 with aspartic acid.
Molecular consequence: missense variant. On other transcripts: non-coding transcript variant (1).
Genome position (GRCh38, 1-based): chr6:83,853,440, G>C. VCF-style: chr6-83853440-G-C. GRCh37 (hg19) VCF-style: chr6-84563159-G-C.
Other names: c.24G>C, p.Glu8Asp (NM_001400900.1); short protein forms E8D.
Identifiers: ClinVar variation 4701608 (VCV004701608.1).

ClinVar aggregate classification (germline): Uncertain significance (1 of 4 stars; one submission).

Submission:

Labcorp Genetics (formerly Invitae), Labcorp
Classification: Uncertain significance. Last evaluated: 2025-06-15. Review status: criteria provided, single submitter. Criteria: Invitae Variant Classification Sherloc (09022015). Collection method: clinical testing. Allele origin: germline.
Comment: This sequence change replaces glutamic acid, which is acidic and polar, with aspartic acid, which is acidic and polar, at codon 8 of the RIPPLY2 protein (p.Glu8Asp). This variant is present in population databases (rs551815992, gnomAD 0.02%). This variant has not been reported in the literature in individuals affected with RIPPLY2-related conditions. Experimental studies and prediction algorithms are not available or were not evaluated, and the functional significance of this variant is currently unknown. In summary, the available evidence is currently insufficient to determine the role of this variant in disease. Therefore, it has been classified as a Variant of Uncertain Significance.